The following is an entry in ClinVar:

NM_031220.4(PITPNM3):c.2359A>G (p.Met787Val)

Gene: PITPNM3 (PITPNM family member 3; minus strand). Cytogenetic location: 17p13.2.
Variant type: single nucleotide variant.
Coding change: c.2359A>G on transcript NM_031220.4 (MANE Select); coding-DNA position 2359, A replaced by G.
Protein change: p.Met787Val; replaces methionine 787 with valine.
Molecular consequence: missense variant.
Genome position (GRCh38, 1-based): chr17:6,461,504, T>C on the plus strand (A>G on the coding strand, the complement: PITPNM3 is on the minus strand). VCF-style: chr17-6461504-T-C. GRCh37 (hg19) VCF-style: chr17-6364824-T-C.
Other names: c.2251A>G, p.Met751Val (NM_001165966.2); short protein forms M751V, M787V.
Identifiers: ClinVar variation 967697 (VCV000967697.9), dbSNP rs755961110, ClinGen allele CA8329191.
Genomic context (GRCh38, chr17:6,461,504, plus strand): 5'-AGATCATGCCCTGTGGGAAGTTGTGCTGGGACAGCCACGACACCACCCGCTGCTTCTGCA[T>C]GTCCGGCCGTCCCGTGATGTAAAGGATCATGTAGCCCAAGTCCTGCCAGTGCCTGGTGAG-3'
Protein context (NP_112497.2, residues 777-797): MILYITGRPD[Met787Val]QKQRVVSWLS

ClinVar aggregate classification (germline): Uncertain significance (1 of 4 stars; one submission).

Allele frequency attached by ClinVar (database versions not stated): gnomAD exomes below 0.00001; ExAC 0.00001.
gnomAD v4.1: 1 of 1,614,262 alleles (0.000062%); highest among the groups gnomAD compares: South Asian, 0.0011%; no homozygotes.

Submission:

Labcorp Genetics (formerly Invitae), Labcorp
Classification: Uncertain significance. Last evaluated: 2019-10-30. Review status: criteria provided, single submitter. Criteria: Invitae Variant Classification Sherloc (09022015). Collection method: clinical testing. Allele origin: germline.
Comment: In summary, the available evidence is currently insufficient to determine the role of this variant in disease. Therefore, it has been classified as a Variant of Uncertain Significance. Algorithms developed to predict the effect of missense changes on protein structure and function are either unavailable or do not agree on the potential impact of this missense change (SIFT: "Deleterious"; PolyPhen-2: "Benign"; Align-GVGD: "Class C0"). This variant has not been reported in the literature in individuals with PITPNM3-related conditions. This variant is present in population databases (rs755961110, ExAC 0.006%). This sequence change replaces methionine with valine at codon 787 of the PITPNM3 protein (p.Met787Val). The methionine residue is highly conserved and there is a small physicochemical difference between methionine and valine.